The following is an entry in ClinVar:

ClinVar aggregate classification (germline): Uncertain significance (1 of 4 stars; one submission).

Submission:

GeneDx
Classification: Uncertain significance. Last evaluated: 2022-03-17. Review status: criteria provided, single submitter. Criteria: GeneDx Variant Classification Process June 2021. Collection method: clinical testing. Allele origin: germline. Affected: yes.
Comment: Not observed at significant frequency in large population cohorts (gnomAD); In silico analysis supports that this missense variant has a deleterious effect on protein structure/function; Has not been previously published as pathogenic or benign to our knowledge

NM_003900.5(SQSTM1):c.1243A>G (p.Arg415Gly)

Gene: SQSTM1 (sequestosome 1; plus strand). Cytogenetic location: 5q35.3.
Variant type: single nucleotide variant.
Coding change: c.1243A>G on transcript NM_003900.5 (MANE Select); coding-DNA position 1243, A replaced by G.
Protein change: p.Arg415Gly; replaces arginine 415 with glycine.
Molecular consequence: missense variant.
Genome position (GRCh38, 1-based): chr5:179,836,513, A>G. VCF-style: chr5-179836513-A-G. GRCh37 (hg19) VCF-style: chr5-179263513-A-G.
Other names: c.991A>G, p.Arg331Gly (NM_001142298.2, NM_001142299.2); short protein forms R331G, R415G.
Identifiers: ClinVar variation 1706109 (VCV001706109.2), dbSNP rs2480265164, ClinGen allele CA362453997.